The following is an entry in ClinVar:

ClinVar aggregate classification (germline): Uncertain significance (1 of 4 stars; one submission).

Allele frequency attached by ClinVar (database versions not stated): gnomAD 0.00001; gnomAD exomes 0.00001; TOPMed 0.00001.
gnomAD v4.1: 8 of 1,613,790 alleles (0.0005%); highest among the groups gnomAD compares: African/African-American, 0.0013%; no homozygotes.

Submission:

Labcorp Genetics (formerly Invitae), Labcorp
Classification: Uncertain significance. Last evaluated: 2025-07-13. Review status: criteria provided, single submitter. Criteria: Invitae Variant Classification Sherloc (09022015). Collection method: clinical testing. Allele origin: germline.
Comment: This sequence change replaces proline, which is neutral and non-polar, with serine, which is neutral and polar, at codon 1740 of the CACNA1D protein (p.Pro1740Ser). This variant is present in population databases (no rsID available, gnomAD 0.01%). This variant has not been reported in the literature in individuals affected with CACNA1D-related conditions. ClinVar contains an entry for this variant (Variation ID: 1958818). An algorithm developed to predict the effect of missense changes on protein structure and function outputs the following: PolyPhen-2: "Benign". The serine amino acid residue is found in multiple mammalian species, which suggests that this missense change does not adversely affect protein function. In summary, the available evidence is currently insufficient to determine the role of this variant in disease. Therefore, it has been classified as a Variant of Uncertain Significance.

NM_001128840.3(CACNA1D):c.5158C>T (p.Pro1720Ser)

Gene: CACNA1D (calcium voltage-gated channel subunit alpha1 D; plus strand). Cytogenetic location: 3p21.1.
Variant type: single nucleotide variant.
Coding change: c.5158C>T on transcript NM_001128840.3 (MANE Select); coding-DNA position 5158, C replaced by T.
Protein change: p.Pro1720Ser; replaces proline 1720 with serine.
Molecular consequence: missense variant.
Genome position (GRCh38, 1-based): chr3:53,801,175, C>T. VCF-style: chr3-53801175-C-T. GRCh37 (hg19) VCF-style: chr3-53835202-C-T.
Other names: c.5218C>T, p.Pro1740Ser (NM_000720.4); c.5113C>T, p.Pro1705Ser (NM_001128839.3); short protein forms P1740S, P1705S, P1720S.
Identifiers: ClinVar variation 1958818 (VCV001958818.5), dbSNP rs1470678976, ClinGen allele CA353250220.